The following is an entry in ClinVar:

NM_020911.2(PLXNA4):c.494A>G (p.Glu165Gly)

Gene: PLXNA4 (plexin A4; minus strand). Cytogenetic location: 7q32.3.
Variant type: single nucleotide variant.
Coding change: c.494A>G on transcript NM_020911.2 (MANE Select); coding-DNA position 494, A replaced by G.
Protein change: p.Glu165Gly; replaces glutamic acid 165 with glycine.
Molecular consequence: missense variant.
Genome position (GRCh38, 1-based): chr7:132,508,200, T>C on the plus strand (A>G on the coding strand, the complement: PLXNA4 is on the minus strand). VCF-style: chr7-132508200-T-C. GRCh37 (hg19) VCF-style: chr7-132192959-T-C.
Other names: c.494A>G, p.Glu165Gly (NM_001105543.2, NM_001393897.1, NM_181775.4); short protein forms E165G.
Identifiers: ClinVar variation 3349908 (VCV003349908.1).

ClinVar aggregate classification (germline): Uncertain significance (0 of 4 stars; one submission).

Conditions:
PLXNA4-related disorder. Also called: PLXNA4-related condition.

gnomAD v4.1: 4 of 1,614,092 alleles (0.00025%); highest among the groups gnomAD compares: African/African-American, 0.0053%; no homozygotes.

Submission:

PreventionGenetics, part of Exact Sciences
Classification: Uncertain significance for PLXNA4-related condition. Last evaluated: 2024-06-10. Review status: no assertion criteria provided. Collection method: clinical testing. Allele origin: germline.
Comment: The PLXNA4 c.494A>G variant is predicted to result in the amino acid substitution p.Glu165Gly. To our knowledge, this variant has not been reported in the literature. This variant is reported in 0.011% of alleles in individuals of African descent in gnomAD. At this time, the clinical significance of this variant is uncertain due to the absence of conclusive functional and genetic evidence.